The following is an entry in ClinVar:

ClinVar aggregate classification (germline): Uncertain significance. Review status: criteria provided, multiple submitters, no conflicts (2 of 4 stars). 5 submissions from 5 submitters: Uncertain significance (5). Last evaluated 2026-04-03.

Conditions:
Hereditary cancer-predisposing syndrome. Also called: Neoplastic Syndromes, Hereditary; Hereditary neoplastic syndrome; Tumor predisposition; Hereditary Cancer Syndrome. Identifiers: Orphanet 140162, MedGen C0027672, MeSH D009386, MONDO:0015356.
ATM-related cancer predisposition. Also called: ATM-related cancer susceptibility. Identifiers: MedGen CN377759, MONDO:0700270.
Ataxia-telangiectasia syndrome (AT). Also called: Ataxia telangiectasia (A-T); Cerebello-oculocutaneous telangiectasia; Immunodeficiency with ataxia telangiectasia; LOUIS-BAR SYNDROME; AT, COMPLEMENTATION GROUP C; ATAXIA-TELANGIECTASIA, FRESNO VARIANT. Identifiers: Orphanet 100, MedGen C0004135, MONDO:0008840, OMIM 208900.

gnomAD v4.1: 1 of 1,614,020 alleles (0.000062%); no homozygotes.

Submissions (5):

Dasa
Classification: Uncertain significance for ATM-related cancer predisposition. Last evaluated: 2026-04-03. Review status: criteria provided, single submitter. Criteria: DASA Assertion Criteria. Collection method: clinical testing. Allele origin: germline.
Comment: NM_000051.4(ATM):c.8330G>T (p.Gly2777Val) is a missense variant that results in the substitution of glycine with valine. This variant has been observed in affected individuals with ATM-related cancer predisposition. Also, this variant is rare in population databases. Computational prediction algorithms are consistent with a deleterious effect. The currently available literature and clinical evidence are not sufficient to establish a definitive association between this variant and the reported condition. Therefore, this variant is classified as a variant of uncertain significance.

Ambry Genetics
Classification: Uncertain significance for Hereditary cancer-predisposing syndrome. Last evaluated: 2025-07-01. Review status: criteria provided, single submitter. Criteria: Ambry Variant Classification Scheme 2023. Collection method: clinical testing. Allele origin: germline.
Comment: The p.G2777V variant (also known as c.8330G>T), located in coding exon 56 of the ATM gene, results from a G to T substitution at nucleotide position 8330. The glycine at codon 2777 is replaced by valine, an amino acid with dissimilar properties. This amino acid position is highly conserved in available vertebrate species. In addition, this alteration is predicted to be deleterious by in silico analysis. Based on the available evidence, the clinical significance of this variant remains unclear.

Color Diagnostics, LLC DBA Color Health
Classification: Uncertain significance for Hereditary cancer-predisposing syndrome. Last evaluated: 2024-03-06. Review status: criteria provided, single submitter. Criteria: ACMG Guidelines, 2015. Collection method: clinical testing. Allele origin: germline.
Comment: This missense variant replaces glycine with valine at codon 2777 of the ATM protein. Computational prediction tool suggests that this variant may have deleterious impact on protein structure and function (internally defined REVEL score threshold >=0.7, PMID: 27666373). Splice site prediction tools suggest that this variant may not impact RNA splicing. To our knowledge, functional studies have not been performed for this variant. This variant has not been reported in individuals affected with hereditary cancer in the literature. This variant has not been identified in the general population by the Genome Aggregation Database (gnomAD). The available evidence is insufficient to determine the role of this variant in disease conclusively. Therefore, this variant is classified as a Variant of Uncertain Significance.

Labcorp Genetics (formerly Invitae), Labcorp
Classification: Uncertain significance for Ataxia-telangiectasia syndrome. Last evaluated: 2022-10-22. Review status: criteria provided, single submitter. Criteria: Invitae Variant Classification Sherloc (09022015). Collection method: clinical testing. Allele origin: germline.
Comment: This variant is not present in population databases (gnomAD no frequency). This sequence change replaces glycine, which is neutral and non-polar, with valine, which is neutral and non-polar, at codon 2777 of the ATM protein (p.Gly2777Val). This variant has not been reported in the literature in individuals affected with ATM-related conditions. ClinVar contains an entry for this variant (Variation ID: 246398). Algorithms developed to predict the effect of missense changes on protein structure and function (SIFT, PolyPhen-2, Align-GVGD) all suggest that this variant is likely to be disruptive. In summary, the available evidence is currently insufficient to determine the role of this variant in disease. Therefore, it has been classified as a Variant of Uncertain Significance.

GeneDx
Classification: Uncertain significance. Last evaluated: 2016-02-11. Review status: criteria provided, single submitter. Criteria: GeneDx Variant Classification (06012015). Collection method: clinical testing. Allele origin: germline. Affected: yes.
Comment: This variant is denoted ATM c.8330G>T at the cDNA level, p.Gly2777Val (G2777V) at the protein level, and results in the change of a Glycine to a Valine (GGT>GTT). This variant has not, to our knowledge, been published in the literature as pathogenic or benign. ATM Gly2777Val was not observed in approximately 6,500 individuals of European and African American ancestry in the NHLBI Exome Sequencing Project, suggesting it is not a common benign variant in these populations. Since Glycine and Valine share similar properties, this is considered a conservative amino acid substitution. ATM Gly2777Val occurs at a position that is conserved across species and is located in the PI3-PI4 kinase domain (Tavtigian 2009, Stracker 2013). In silico analyses are inconsistent regarding the effect this variant may have on protein structure and function. Based on currently available evidence, it is unclear whether ATM Gly2777Val is a pathogenic or benign variant. We consider it to be a variant of uncertain significance.

NM_000051.4(ATM):c.8330G>T (p.Gly2777Val)

Genes: ATM (ATM serine/threonine kinase; plus strand), C11orf65 (chromosome 11 open reading frame 65; minus strand). Cytogenetic location: 11q22.3.
Variant type: single nucleotide variant.
Coding change: c.8330G>T on transcript NM_000051.4 (MANE Select); coding-DNA position 8330, G replaced by T.
Protein change: p.Gly2777Val; replaces glycine 2777 with valine.
Molecular consequence: missense variant. On other transcripts: intron variant (2).
Genome position (GRCh38, 1-based): chr11:108,343,283, G>T. VCF-style: chr11-108343283-G-T. GRCh37 (hg19) VCF-style: chr11-108214010-G-T.
Other names: c.641-34212C>A (NM_001330368.2); c.695-7991C>A (NM_001351110.2); c.8330G>T, p.Gly2777Val (NM_001351834.2); short protein forms G2777V.
Identifiers: ClinVar variation 246398 (VCV000246398.19), dbSNP rs879254240, ClinGen allele CA10584373.